The following is an entry in ClinVar:

ClinVar aggregate classification (germline): Uncertain significance (1 of 4 stars; one submission).

Conditions:
Malignant hyperthermia, susceptibility to, 1 (MHS1). Also called: RYR1-Related Malignant Hyperthermia Susceptibility; Malignant hyperthermia suceptibility 1; Anesthesia related hyperthermia; Malignant hyperpyrexia; Fulminating hyperpyrexia; Pharmacogenic myopathy. Identifiers: Orphanet 423, MedGen C2930980, MONDO:0007783, OMIM 145600.

gnomAD v4.1: 6 of 1,614,064 alleles (0.00037%); highest among the groups gnomAD compares: Middle Eastern, 0.017%; no homozygotes.

Submission:

Color Diagnostics, LLC DBA Color Health
Classification: Uncertain significance for Malignant hyperthermia, susceptibility to, 1. Last evaluated: 2025-09-29. Review status: criteria provided, single submitter. Criteria: ACMG Guidelines, 2015. Collection method: clinical testing. Allele origin: germline.
Comment: This missense variant replaces lysine with glutamic acid at codon 2726 of the RYR1 protein. Computational prediction suggests that this variant may not impact protein structure and function. To our knowledge, functional studies have not been reported for this variant. This variant has not been reported in individuals affected with RYR1-related disorders in the literature. This variant has been identified in 6/1461862 chromosomes in the general population by the Genome Aggregation Database (gnomAD). The available evidence is insufficient to determine the role of this variant in disease conclusively. Therefore, this variant is classified as a Variant of Uncertain Significance.

NM_000540.3(RYR1):c.8176A>G (p.Lys2726Glu)

Gene: RYR1 (ryanodine receptor 1; plus strand). Cytogenetic location: 19q13.2.
Variant type: single nucleotide variant.
Coding change: c.8176A>G on transcript NM_000540.3 (MANE Select); coding-DNA position 8176, A replaced by G.
Protein change: p.Lys2726Glu; replaces lysine 2726 with glutamic acid.
Molecular consequence: missense variant.
Genome position (GRCh38, 1-based): chr19:38,504,856, A>G. VCF-style: chr19-38504856-A-G. GRCh37 (hg19) VCF-style: chr19-38995496-A-G.
Other names: c.8176A>G, p.Lys2726Glu (NM_001042723.2); short protein forms K2726E.
Identifiers: ClinVar variation 4756599 (VCV004756599.1).